The following is an entry in ClinVar:

ClinVar aggregate classification (germline): Uncertain significance (1 of 4 stars; one submission).

Conditions:
EPHX1-related disorder. Also called: EPHX1-related condition.

Submission:

PreventionGenetics, part of Exact Sciences
Classification: Uncertain significance for EPHX1-related condition. Last evaluated: 2026-05-09. Review status: criteria provided, single submitter. Criteria: ACMG Guidelines, 2015. Collection method: clinical testing. Allele origin: germline.
Comment: The EPHX1 c.613G>A variant is predicted to result in the amino acid substitution p.Ala205Thr. To our knowledge, this variant has not been reported in the literature. This variant is reported in 0.0029% of alleles in individuals of Latino descent in gnomAD. At this time, the clinical significance of this variant is uncertain due to the absence of conclusive functional and genetic evidence.

NM_001136018.4(EPHX1):c.613G>A (p.Ala205Thr)

Gene: EPHX1 (epoxide hydrolase 1; plus strand). Cytogenetic location: 1q42.12.
Variant type: single nucleotide variant.
Coding change: c.613G>A on transcript NM_001136018.4 (MANE Select); coding-DNA position 613, G replaced by A.
Protein change: p.Ala205Thr; replaces alanine 205 with threonine.
Molecular consequence: missense variant. On other transcripts: non-coding transcript variant (3), intron variant (1).
Genome position (GRCh38, 1-based): chr1:225,839,237, G>A. VCF-style: chr1-225839237-G-A. GRCh37 (hg19) VCF-style: chr1-226026938-G-A.
Other names: c.613G>A, p.Ala205Thr (NM_000120.4, NM_001291163.2, NM_001378426.1 and 3 more transcripts); c.586G>A, p.Ala196Thr (NM_001378428.1); c.385G>A, p.Ala129Thr (NM_001378431.1); c.365-3129G>A (NM_001378432.1); short protein forms A129T, A205T, A196T.
Identifiers: ClinVar variation 4987714 (VCV004987714.1).